The following is an entry in ClinVar:

NM_001378454.1(ALMS1):c.5120T>C (p.Val1707Ala)

Gene: ALMS1 (ALMS1 centrosome and basal body associated protein; plus strand). Cytogenetic location: 2p13.1.
Variant type: single nucleotide variant.
Coding change: c.5120T>C on transcript NM_001378454.1 (MANE Select); coding-DNA position 5120, T replaced by C.
Protein change: p.Val1707Ala; replaces valine 1707 with alanine.
Molecular consequence: missense variant.
Genome position (GRCh38, 1-based): chr2:73,451,647, T>C. VCF-style: chr2-73451647-T-C. GRCh37 (hg19) VCF-style: chr2-73678774-T-C.
Other names: c.5123T>C, p.Val1708Ala (NM_015120.4); short protein forms V1707A, V1708A.
Identifiers: ClinVar variation 1745497 (VCV001745497.2), dbSNP rs2466103929, ClinGen allele CA347280029.

ClinVar aggregate classification (germline): Uncertain significance (1 of 4 stars; one submission).

Conditions:
Cardiovascular phenotype. Identifiers: MedGen CN230736.

gnomAD v4.1: 1 of 1,613,992 alleles (0.000062%); no homozygotes.

Submission:

Ambry Genetics
Classification: Uncertain significance for Cardiovascular phenotype. Last evaluated: 2021-01-29. Review status: criteria provided, single submitter. Criteria: Ambry Variant Classification Scheme 2023. Collection method: clinical testing. Allele origin: germline.
Comment: The p.V1708A variant (also known as c.5123T>C), located in coding exon 8 of the ALMS1 gene, results from a T to C substitution at nucleotide position 5123. The valine at codon 1708 is replaced by alanine, an amino acid with similar properties. This amino acid position is not well conserved in available vertebrate species, and alanine is the reference amino acid in other vertebrate species. In addition, this alteration is predicted to be tolerated by in silico analysis. Since supporting evidence is limited at this time, the clinical significance of this alteration remains unclear.